The following is an entry in ClinVar:

NM_020163.3(SEMA3G):c.1651C>T (p.Arg551Cys)

Gene: SEMA3G (semaphorin 3G; minus strand). Cytogenetic location: 3p21.1.
Variant type: single nucleotide variant.
Coding change: c.1651C>T on transcript NM_020163.3 (MANE Select); coding-DNA position 1651, C replaced by T.
Protein change: p.Arg551Cys; replaces arginine 551 with cysteine.
Molecular consequence: missense variant.
Genome position (GRCh38, 1-based): chr3:52,438,058, G>A on the plus strand (C>T on the coding strand, the complement: SEMA3G is on the minus strand). VCF-style: chr3-52438058-G-A. GRCh37 (hg19) VCF-style: chr3-52472074-G-A.
Other names: short protein forms R551C.
Identifiers: ClinVar variation 3351766 (VCV003351766.1).

ClinVar aggregate classification (germline): Uncertain significance (0 of 4 stars; one submission).

Conditions:
SEMA3G-related disorder. Also called: SEMA3G-related condition.

gnomAD v4.1: 23 of 1,613,026 alleles (0.0014%); highest among the groups gnomAD compares: Middle Eastern, 0.033%; no homozygotes.

Submission:

PreventionGenetics, part of Exact Sciences
Classification: Uncertain significance for SEMA3G-related condition. Last evaluated: 2024-05-01. Review status: no assertion criteria provided. Collection method: clinical testing. Allele origin: germline.
Comment: The SEMA3G c.1651C>T variant is predicted to result in the amino acid substitution p.Arg551Cys. To our knowledge, this variant has not been reported in the literature. This variant is reported in 0.013% of alleles in individuals of South Asian descent in gnomAD. At this time, the clinical significance of this variant is uncertain due to the absence of conclusive functional and genetic evidence.